The following is an entry in ClinVar:

ClinVar aggregate classification (germline): Uncertain significance (0 of 4 stars; one submission).

Conditions:
FLT4-related disorder. Also called: FLT4-related condition.

Submission:

PreventionGenetics, part of Exact Sciences
Classification: Uncertain significance for FLT4-related condition. Last evaluated: 2024-07-11. Review status: no assertion criteria provided. Collection method: clinical testing. Allele origin: germline.
Comment: The FLT4 c.895A>C variant is predicted to result in the amino acid substitution p.Asn299His. To our knowledge, this variant has not been reported in the literature or in a large population database, indicating this variant is rare. At this time, the clinical significance of this variant is uncertain due to the absence of conclusive functional and genetic evidence.

NM_182925.5(FLT4):c.895A>C (p.Asn299His)

Gene: FLT4 (fms related receptor tyrosine kinase 4; minus strand). Cytogenetic location: 5q35.3.
Variant type: single nucleotide variant.
Coding change: c.895A>C on transcript NM_182925.5 (MANE Select); coding-DNA position 895, A replaced by C.
Protein change: p.Asn299His; replaces asparagine 299 with histidine.
Molecular consequence: missense variant.
Genome position (GRCh38, 1-based): chr5:180,629,349, T>G on the plus strand (A>C on the coding strand, the complement: FLT4 is on the minus strand). VCF-style: chr5-180629349-T-G. GRCh37 (hg19) VCF-style: chr5-180056349-T-G.
Other names: c.895A>C, p.Asn299His (NM_001354989.2, NM_002020.5); short protein forms N299H.
Identifiers: ClinVar variation 3061439 (VCV003061439.2), dbSNP rs2480982938, ClinGen allele CA362505589.